The following is an entry in ClinVar:

NM_006073.4(TRDN):c.334del (p.Asp112fs)

Gene: TRDN (triadin; minus strand). Cytogenetic location: 6q22.31.
Variant type: Deletion.
Coding change: c.334del on transcript NM_006073.4 (MANE Select); coding-DNA position 334, one base deleted (G; older notation c.334delG).
Protein change: p.Asp112fs; shifts the reading frame from aspartic acid 112.
Molecular consequence: frameshift variant.
Genome position (GRCh38, 1-based): chr6:123,548,511, C deleted on the plus strand (G on the coding strand, the reverse complement: TRDN is on the minus strand). VCF-style (leftmost placement, unchanged base first): chr6-123548510-TC-T. GRCh37 (hg19) VCF-style: chr6-123869655-TC-T.
Other names: c.334del, p.Asp112fs (NM_001251987.2, NM_001256020.2, NM_001256021.2 and 2 more transcripts); short protein forms D112fs.
Identifiers: ClinVar variation 2818604 (VCV002818604.3), dbSNP rs2534485266, ClinGen allele CA2739266061.

ClinVar aggregate classification (germline): Pathogenic (1 of 4 stars; one submission).

Conditions:
Catecholaminergic polymorphic ventricular tachycardia 1. Also called: VENTRICULAR TACHYCARDIA, STRESS-INDUCED POLYMORPHIC 1; VENTRICULAR TACHYCARDIA, CATECHOLAMINERGIC POLYMORPHIC, 1, WITH OR WITHOUT ATRIAL DYSFUNCTION AND/OR DILATED CARDIOMYOPATHY; RYR2-Related Catecholaminergic Polymorphic Ventricular Tachycardia. Identifiers: Orphanet 3286, MedGen C1631597, MONDO:0011484, OMIM 604772.

Submission:

Labcorp Genetics (formerly Invitae), Labcorp
Classification: Pathogenic for Catecholaminergic polymorphic ventricular tachycardia 1. Last evaluated: 2022-12-05. Review status: criteria provided, single submitter. Criteria: Invitae Variant Classification Sherloc (09022015). Collection method: clinical testing. Allele origin: germline.
Comment: For these reasons, this variant has been classified as Pathogenic. This variant has not been reported in the literature in individuals affected with TRDN-related conditions. This variant is not present in population databases (gnomAD no frequency). This sequence change creates a premature translational stop signal (p.Asp112Thrfs*22) in the TRDN gene. It is expected to result in an absent or disrupted protein product. Loss-of-function variants in TRDN are known to be pathogenic (PMID: 22422768, 25922419, 26200674, 30649896).

Literature cited by the submitters: PubMed 22422768; PubMed 25922419; PubMed 26200674; PubMed 30649896.